The following is an entry in ClinVar:

ClinVar aggregate classification (germline): Conflicting classifications of pathogenicity. Review status: criteria provided, conflicting classifications (1 of 4 stars). 3 submissions from 3 submitters: Uncertain significance (2); Likely benign (1). Last evaluated 2023-10-10.

Conditions:
Hereditary cancer-predisposing syndrome. Also called: Hereditary neoplastic syndrome; Neoplastic Syndromes, Hereditary; Hereditary Cancer Syndrome; Tumor predisposition. Identifiers: Orphanet 140162, MedGen C0027672, MeSH D009386, MONDO:0015356.
Hereditary breast ovarian cancer syndrome. Also called: Hereditary breast and/or ovarian cancer syndrome; Hereditary breast and ovarian cancer syndrome (HBOC); Breast and ovarian cancer; Hereditary breast and ovarian cancer; Hereditary breast and ovarian cancer syndrome; BRCA1- and BRCA2-Associated Hereditary Breast and Ovarian Cancer. Identifiers: Orphanet 145, MedGen C0677776, MeSH D061325, MONDO:0003582. Disease mechanism: loss of function.

Submissions (3):

Ambry Genetics
Classification: Uncertain significance for Hereditary cancer-predisposing syndrome. Last evaluated: 2023-10-10. Review status: criteria provided, single submitter. Criteria: Ambry Variant Classification Scheme 2023. Collection method: clinical testing. Allele origin: germline.
Comment: The p.L2277I variant (also known as c.6829C>A), located in coding exon 10 of the BRCA2 gene, results from a C to A substitution at nucleotide position 6829. The leucine at codon 2277 is replaced by isoleucine, an amino acid with highly similar properties. This amino acid position is not well conserved in available vertebrate species. In addition, this alteration is predicted to be tolerated by in silico analysis. Since supporting evidence is limited at this time, the clinical significance of this alteration remains unclear.

University of Washington Department of Laboratory Medicine, University of Washington
Classification: Likely benign for Hereditary cancer-predisposing syndrome. Last evaluated: 2023-03-23. Review status: criteria provided, single submitter. Criteria: Dines et al. (Genet Med. 2020). Collection method: curation. Allele origin: germline.
Comment: Missense variant in a coldspot region where missense variants are very unlikely to be pathogenic (PMID:31911673).

BRCA2 exon 11 coldspot. Reclassification based on statistical prior probability.

Labcorp Genetics (formerly Invitae), Labcorp
Classification: Uncertain significance for Hereditary breast ovarian cancer syndrome. Last evaluated: 2021-10-04. Review status: criteria provided, single submitter. Criteria: Invitae Variant Classification Sherloc (09022015). Collection method: clinical testing. Allele origin: germline.
Comment: In summary, the available evidence is currently insufficient to determine the role of this variant in disease. Therefore, it has been classified as a Variant of Uncertain Significance. Advanced modeling of protein sequence and biophysical properties (such as structural, functional, and spatial information, amino acid conservation, physicochemical variation, residue mobility, and thermodynamic stability) performed at Invitae indicates that this missense variant is not expected to disrupt BRCA2 protein function. This variant has not been reported in the literature in individuals affected with BRCA2-related conditions. This variant is not present in population databases (ExAC no frequency). This sequence change replaces leucine with isoleucine at codon 2277 of the BRCA2 protein (p.Leu2277Ile). The leucine residue is weakly conserved and there is a small physicochemical difference between leucine and isoleucine.

NM_000059.4(BRCA2):c.6829C>A (p.Leu2277Ile)

Gene: BRCA2 (BRCA2 DNA repair associated; plus strand). Cytogenetic location: 13q13.1.
Variant type: single nucleotide variant.
Coding change: c.6829C>A on transcript NM_000059.4 (MANE Select); coding-DNA position 6829, C replaced by A.
Protein change: p.Leu2277Ile; replaces leucine 2277 with isoleucine.
Molecular consequence: missense variant.
Genome position (GRCh38, 1-based): chr13:32,341,184, C>A. VCF-style: chr13-32341184-C-A. GRCh37 (hg19) VCF-style: chr13-32915321-C-A.
Other names: c.6829C>A (NM_000059.3); short protein forms L2277I.
Identifiers: ClinVar variation 1483602 (VCV001483602.8), dbSNP rs786202214, ClinGen allele CA387791473.